The following is an entry in ClinVar:

ClinVar aggregate classification (germline): Likely benign. Review status: criteria provided, single submitter (1 of 4 stars). 2 submissions from 2 submitters: Likely benign (1). 1 of the submissions does not count toward it. Last evaluated 2025-12-31.

Conditions:
IFT172-related disorder. Also called: IFT172-related disorders; IFT172-related condition.
Short-rib thoracic dysplasia 10 with or without polydactyly (SRTD10). Identifiers: Orphanet 474, MedGen C3810175, MONDO:0014284, OMIM 615630.
Retinitis pigmentosa 71 (RP71). Identifiers: Orphanet 791, MedGen C4225342, MONDO:0014618, OMIM 616394.

Allele frequency attached by ClinVar (database versions not stated): gnomAD exomes below 0.00001; gnomAD 0.00001; TOPMed 0.00003.
gnomAD v4.1: 3 of 1,614,046 alleles (0.00019%); highest among the groups gnomAD compares: Admixed American, 0.005%; no homozygotes.

Submissions (2):

Labcorp Genetics (formerly Invitae), Labcorp
Classification: Likely benign for Retinitis pigmentosa 71; Short-rib thoracic dysplasia 10 with or without polydactyly. Last evaluated: 2025-12-31. Review status: criteria provided, single submitter. Criteria: Invitae Variant Classification Sherloc (09022015). Collection method: clinical testing. Allele origin: germline.

PreventionGenetics, part of Exact Sciences
Classification: Likely benign for IFT172-related condition. Last evaluated: 2021-02-16. Review status: no assertion criteria provided. Collection method: clinical testing. Allele origin: germline. Not counted in ClinVar's aggregate classification.
Comment: This variant is classified as likely benign based on ACMG/AMP sequence variant interpretation guidelines (Richards et al. 2015 PMID: 25741868, with internal and published modifications).

NM_015662.3(IFT172):c.3103C>T (p.Leu1035=)

Gene: IFT172 (intraflagellar transport 172; minus strand). Cytogenetic location: 2p23.3.
Variant type: single nucleotide variant.
Coding change: c.3103C>T on transcript NM_015662.3 (MANE Select); coding-DNA position 3103, C replaced by T.
Protein change: p.Leu1035=; no amino-acid change (leucine 1035 retained).
Molecular consequence: synonymous variant.
Genome position (GRCh38, 1-based): chr2:27,457,849, G>A on the plus strand (C>T on the coding strand, the complement: IFT172 is on the minus strand). VCF-style: chr2-27457849-G-A. GRCh37 (hg19) VCF-style: chr2-27680716-G-A.
Other names: c.3103C>T (NM_015662.2).
Identifiers: ClinVar variation 1144723 (VCV001144723.10), dbSNP rs1029240622, ClinGen allele CA44493675.